The following is an entry in ClinVar:

ClinVar aggregate classification (germline): Uncertain significance. Review status: criteria provided, single submitter (1 of 4 stars). 2 submissions from 2 submitters: Uncertain significance (1). 1 of the submissions does not count toward it. Last evaluated 2022-10-18.

Conditions:
PRPH2-related disorder. Also called: PRPH2-related disorders; PRPH2-related condition. Identifiers: MedGen CN239395.

Submissions (2):

Labcorp Genetics (formerly Invitae), Labcorp
Classification: Uncertain significance for PRPH2-related disorder. Last evaluated: 2022-10-18. Review status: criteria provided, single submitter. Criteria: Invitae Variant Classification Sherloc (09022015). Collection method: clinical testing. Allele origin: germline.
Comment: In summary, the available evidence is currently insufficient to determine the role of this variant in disease. Therefore, it has been classified as a Variant of Uncertain Significance. Algorithms developed to predict the effect of missense changes on protein structure and function are either unavailable or do not agree on the potential impact of this missense change (SIFT: "Deleterious"; PolyPhen-2: "Benign"; Align-GVGD: "Class C35"). ClinVar contains an entry for this variant (Variation ID: 1175289). This missense change has been observed in individual(s) with autosomal dominant retinitis pigmentosa (PMID: 25447119). This variant is not present in population databases (gnomAD no frequency). This sequence change replaces aspartic acid, which is acidic and polar, with glutamic acid, which is acidic and polar, at codon 194 of the PRPH2 protein (p.Asp194Glu).

Leiden Open Variation Database
Classification: Likely pathogenic. Last evaluated: 2021-04-06. Review status: no assertion criteria provided. Collection method: curation. Allele origin: germline. Affected: yes. Not counted in ClinVar's aggregate classification.
Comment: Curator: Global Variome, with Curator vacancy. Submitter to LOVD: Manon Peeters.

Literature cited by the submitters: PubMed 25447119 (cited by Labcorp Genetics (formerly Invitae), Labcorp and Leiden Open Variation Database).

NM_000322.5(PRPH2):c.582T>A (p.Asp194Glu)

Gene: PRPH2 (peripherin 2; minus strand). Cytogenetic location: 6p21.1.
Variant type: single nucleotide variant.
Coding change: c.582T>A on transcript NM_000322.5 (MANE Select); coding-DNA position 582, T replaced by A.
Protein change: p.Asp194Glu; replaces aspartic acid 194 with glutamic acid.
Molecular consequence: missense variant.
Genome position (GRCh38, 1-based): chr6:42,704,611, A>T on the plus strand (T>A on the coding strand, the complement: PRPH2 is on the minus strand). VCF-style: chr6-42704611-A-T. GRCh37 (hg19) VCF-style: chr6-42672349-A-T.
Other names: short protein forms D194E.
Identifiers: ClinVar variation 1175289 (VCV001175289.6), dbSNP rs1331346375, ClinGen allele CA364135889.